The following is an entry in ClinVar:

ClinVar aggregate classification (germline): Benign (1 of 4 stars; one submission).

Submission:

ISCA site 15
Classification: Benign. Last evaluated: 2011-08-12. Review status: criteria provided, single submitter. Criteria: Kaminsky et al. (Genet Med. 2011). Collection method: clinical testing. Allele origin: maternal. Affected: yes. Observed: 1 variant allele.
Comment: Copy number variation identified through the course of routine clinical cytogenomic testing in postnatal populations. Clinical assertions have been curated as described in Kaminsky et al. 2011.

GRCh38/hg38 12p11.22(chr12:28856455-29343246)x3

Genes: ERGIC2 (ERGIC and golgi 2; minus strand), FAR2 (fatty acyl-CoA reductase 2; plus strand), LOC100506606 (uncharacterized LOC100506606; minus strand), LOC126861490 (BRD4-independent group 4 enhancer GRCh37_chr12:29091715-29092914; plus strand), LOC126861491 (CDK7 strongly-dependent group 2 enhancer GRCh37_chr12:29194325-29195524; plus strand) and 5 more. Cytogenetic location: 12p11.22.
Variant type: copy number gain.
Change: copy number 3 (three copies instead of two) of chr12:28,856,455-29,343,246 (486.8 kb, GRCh38 coordinates, 1-based), cytogenetic band 12p11.22.
Identifiers: ClinVar variation 59706 (VCV000059706.1).